The following is an entry in ClinVar:

NM_001378120.1(MBD5):c.1783G>T (p.Ala595Ser)

Gene: MBD5 (methyl-CpG binding domain protein 5; plus strand). Cytogenetic location: 2q23.1.
Variant type: single nucleotide variant.
Coding change: c.1783G>T on transcript NM_001378120.1 (MANE Select); coding-DNA position 1783, G replaced by T.
Protein change: p.Ala595Ser; replaces alanine 595 with serine.
Molecular consequence: missense variant.
Genome position (GRCh38, 1-based): chr2:148,469,726, G>T. VCF-style: chr2-148469726-G-T. GRCh37 (hg19) VCF-style: chr2-149227295-G-T.
Other names: c.1783G>T, p.Ala595Ser (NM_018328.5); short protein forms A595S.
Identifiers: ClinVar variation 1042926 (VCV001042926.11), dbSNP rs1302791673, ClinGen allele CA348720427.
Genomic context (GRCh38, chr2:148,469,726, plus strand): 5'-CCAGCAAGTAGTTTACTCTCAGCAGCAGCCAAAGCACAGCTAGCAAATCAAAACAAACTT[G>T]CTGGTAACAACAGTAGCAGCAGTAGCAATTCTGGAGCTGTTGCCGGCAGTGGCAACACTG-3'
Protein context (NP_001365049.1, residues 585-605): KAQLANQNKL[Ala595Ser]GNNSSSSSNS

ClinVar aggregate classification (germline): Uncertain significance (1 of 4 stars; one submission).

Conditions:
Intellectual developmental disorder, autosomal dominant 1. Also called: Intellectual disability, autosomal dominant 1; MBD5 Haploinsufficiency. Identifiers: Orphanet 228402, MedGen C1969562, MONDO:0007974, OMIM 156200.

Allele frequency attached by ClinVar (database versions not stated): gnomAD exomes below 0.00001.
gnomAD v4.1: 1 of 1,613,902 alleles (0.000062%); highest among the groups gnomAD compares: East Asian, 0.0022%; no homozygotes.

Submission:

Labcorp Genetics (formerly Invitae), Labcorp
Classification: Uncertain significance for Intellectual developmental disorder, autosomal dominant 1. Last evaluated: 2022-02-04. Review status: criteria provided, single submitter. Criteria: Invitae Variant Classification Sherloc (09022015). Collection method: clinical testing. Allele origin: germline.
Comment: In summary, the available evidence is currently insufficient to determine the role of this variant in disease. Therefore, it has been classified as a Variant of Uncertain Significance. Algorithms developed to predict the effect of missense changes on protein structure and function are either unavailable or do not agree on the potential impact of this missense change (SIFT: "Deleterious"; PolyPhen-2: "Possibly Damaging"; Align-GVGD: "Class C0"). ClinVar contains an entry for this variant (Variation ID: 1042926). This variant has not been reported in the literature in individuals affected with MBD5-related conditions. This variant is present in population databases (no rsID available, gnomAD 0.006%). This sequence change replaces alanine, which is neutral and non-polar, with serine, which is neutral and polar, at codon 595 of the MBD5 protein (p.Ala595Ser).